The following is an entry in ClinVar:

ClinVar aggregate classification (germline): Pathogenic (1 of 4 stars; one submission).

Conditions:
Marfan syndrome (MFS). Also called: Marfan syndrome type 1; Marfan's syndrome; FBN1-Related Marfan Syndrome; MARFAN SYNDROME, TYPE I; Marfan syndrome, classic. Identifiers: Orphanet 284963, Orphanet 558, MedGen C0024796, MONDO:0007947, OMIM 154700.

Submission:

Centre of Medical Genetics, University of Antwerp
Classification: Pathogenic for Marfan syndrome. Last evaluated: 2021-03-01. Review status: criteria provided, single submitter. Criteria: Submitter's publication. Collection method: research. Allele origin: unknown. Affected: yes.
Comment: PM2, PVS2, PP4

NM_000138.5(FBN1):c.3130T>G (p.Cys1044Gly)

Gene: FBN1 (fibrillin 1; minus strand). Cytogenetic location: 15q21.1.
Variant type: single nucleotide variant.
Coding change: c.3130T>G on transcript NM_000138.5 (MANE Select); coding-DNA position 3130, T replaced by G.
Protein change: p.Cys1044Gly; replaces cysteine 1044 with glycine.
Molecular consequence: missense variant.
Genome position (GRCh38, 1-based): chr15:48,488,446, A>C on the plus strand (T>G on the coding strand, the complement: FBN1 is on the minus strand). VCF-style: chr15-48488446-A-C. GRCh37 (hg19) VCF-style: chr15-48780643-A-C.
Other names: c.3130T>G, p.Cys1044Gly (NM_001406716.1); short protein forms C1044G.
Identifiers: ClinVar variation 1325491 (VCV001325491.2), dbSNP rs2141295251, ClinGen allele CA392328139.
Genomic context (GRCh38, chr15:48,488,446, plus strand): 5'-CAGAATCAAGAGCAAAGCCGCTGTCACACCTGCACTTAAAGCTGCCAATGGTGTTTCTGC[A>C]CTTGCCGTGGGTGCAGAGGCTGGGTATCATCTTGCACTCATTGATATCTTCAAGAATAAG-3'
Protein context (NP_000129.3, residues 1034-1054): MIPSLCTHGK[Cys1044Gly]RNTIGSFKCR